The following is an entry in ClinVar:

ClinVar aggregate classification (germline): Conflicting classifications of pathogenicity. Review status: criteria provided, conflicting classifications (1 of 4 stars). 5 submissions from 5 submitters: Likely pathogenic (1); Uncertain significance (4). Last evaluated 2024-09-06.

Conditions:
Familial thoracic aortic aneurysm and aortic dissection (TAAD). Also called: Thoracic aortic aneurysms and dissections. Identifiers: Orphanet 91387, MedGen C4707243, MONDO:0019625.

Submissions (5):

Centre of Medical Genetics, University of Antwerp
Classification: Likely pathogenic for Familial thoracic aortic aneurysm and aortic dissection. Last evaluated: 2024-09-06. Review status: criteria provided, single submitter. Criteria: ACMG Guidelines, 2015. Collection method: clinical testing. Allele origin: germline. Affected: yes.
Comment: LP(PM2; PP1-2)

GeneDx
Classification: Uncertain significance. Last evaluated: 2023-09-08. Review status: criteria provided, single submitter. Criteria: GeneDx Variant Classification Process June 2021. Collection method: clinical testing. Allele origin: germline. Affected: yes.
Comment: Has been reported in an individual with TAAD (Lerner-Ellis et al.. 2014); Not observed at significant frequency in large population cohorts (gnomAD); In silico analysis supports that this missense variant does not alter protein structure/function; This variant is associated with the following publications: (PMID: 24793577)

Women's Health and Genetics/Laboratory Corporation of America, LabCorp
Classification: Uncertain significance. Last evaluated: 2023-07-02. Review status: criteria provided, single submitter. Criteria: LabCorp Variant Classification Summary - May 2015. Collection method: clinical testing. Allele origin: germline.
Comment: Variant summary: FBN1 c.1036T>C (p.Ser346Pro) results in a non-conservative amino acid change located in the TB domain (IPR017878) of the encoded protein sequence. Three of five in-silico tools predict a damaging effect of the variant on protein function. The variant was absent in 251322 control chromosomes (gnomAD). The available data on variant occurrences in the general population are insufficient to allow any conclusion about variant significance. c.1036T>C has been reported in the literature in an individual diagnosed with Thoracic Aortic Aneurysms and Dissections, however, authors classified the variant as VUS (example: Lerner-Ellis_2014). This report does not provide unequivocal conclusions about association of the variant with Marfan Syndrome. To our knowledge, no experimental evidence demonstrating an impact on protein function has been reported. The following publications have been ascertained in the context of this evaluation (PMID: 24793577, 25101912). Two submitters have cited clinical-significance assessments for this variant to ClinVar after 2014. All submitters classified the variant as uncertain significance. Based on the evidence outlined above, the variant was classified as uncertain significance.

CHEO Genetics Diagnostic Laboratory, Children's Hospital of Eastern Ontario
Classification: Uncertain significance for Familial thoracic aortic aneurysm and aortic dissection. Last evaluated: 2022-09-07. Review status: criteria provided, single submitter. Criteria: ACMG Guidelines, 2015. Collection method: clinical testing. Allele origin: germline.

Laboratory for Molecular Medicine, Mass General Brigham Personalized Medicine
Classification: Uncertain significance. Last evaluated: 2018-02-15. Review status: criteria provided, single submitter. Criteria: LMM Criteria. Collection method: clinical testing. Allele origin: germline. Observed: 1 variant allele.
Comment: proposed classification - variant undergoing re-assessment, contact laboratory

Literature cited by the submitters: PubMed 24793577 (cited by Women's Health and Genetics/Laboratory Corporation of America, LabCorp); PubMed 25101912 (cited by Women's Health and Genetics/Laboratory Corporation of America, LabCorp).

NM_000138.5(FBN1):c.1036T>C (p.Ser346Pro)

Genes: FBN1 (fibrillin 1; minus strand), LOC113939944 (Sharpr-MPRA regulatory region 9539; plus strand). Cytogenetic location: 15q21.1.
Variant type: single nucleotide variant.
Coding change: c.1036T>C on transcript NM_000138.5 (MANE Select); coding-DNA position 1036, T replaced by C.
Protein change: p.Ser346Pro; replaces serine 346 with proline.
Molecular consequence: missense variant.
Genome position (GRCh38, 1-based): chr15:48,520,770, A>G on the plus strand (T>C on the coding strand, the complement: FBN1 is on the minus strand). VCF-style: chr15-48520770-A-G. GRCh37 (hg19) VCF-style: chr15-48812967-A-G.
Other names: short protein forms S346P.
Identifiers: ClinVar variation 177856 (VCV000177856.11), dbSNP rs727504361, ClinGen allele CA011886.